The following is an entry in ClinVar:

NM_017757.3(ZNF407):c.5355G>A (p.Pro1785=)

Gene: ZNF407 (zinc finger protein 407; plus strand). Cytogenetic location: 18q22.3.
Variant type: single nucleotide variant.
Coding change: c.5355G>A on transcript NM_017757.3 (MANE Select); coding-DNA position 5355, G replaced by A.
Protein change: p.Pro1785=; no amino-acid change (proline 1785 retained).
Molecular consequence: synonymous variant.
Genome position (GRCh38, 1-based): chr18:74,920,619, G>A. VCF-style: chr18-74920619-G-A. GRCh37 (hg19) VCF-style: chr18-72632575-G-A.
Other names: c.5355G>A, p.Pro1785= (NM_001146189.1, NM_001384475.1).
Identifiers: ClinVar variation 3031525 (VCV003031525.2), dbSNP rs368570511, ClinGen allele CA9001101.
Genomic context (GRCh38, chr18:74,920,619, plus strand): 5'-CAAACATGAAGGAGTCAAGATGTACAACTGTCCCAAGTGTGACTACGGGACCAACGTCCC[G>A]GTGGAGTTCCGGAACCATTTGAAGGAACAGCATCCTGACATCGAAAACCCGGACCTCGCT-3'
Protein context (NP_060227.2, residues 1775-1795): CPKCDYGTNV[Pro1785=]VEFRNHLKEQ

ClinVar aggregate classification (germline): Likely benign (0 of 4 stars; one submission).

Conditions:
ZNF407-related disorder. Also called: ZNF407-related condition.

Allele frequency attached by ClinVar (database versions not stated): gnomAD 0.00001; TOPMed 0.00001; ExAC 0.00002; gnomAD exomes 0.00002; ESP Exome Variant Server 0.00008.
gnomAD v4.1: 29 of 1,611,286 alleles (0.0018%); highest among the groups gnomAD compares: Middle Eastern, 0.016%; no homozygotes.

Submission:

PreventionGenetics, part of Exact Sciences
Classification: Likely benign for ZNF407-related condition. Last evaluated: 2021-03-31. Review status: no assertion criteria provided. Collection method: clinical testing. Allele origin: germline.
Comment: This variant is classified as likely benign based on ACMG/AMP sequence variant interpretation guidelines (Richards et al. 2015 PMID: 25741868, with internal and published modifications).